The following is an entry in ClinVar:

NM_016222.4(DDX41):c.518G>A (p.Gly173Glu)

Gene: DDX41 (DEAD-box helicase 41; minus strand). Cytogenetic location: 5q35.3.
Variant type: single nucleotide variant.
Coding change: c.518G>A on transcript NM_016222.4 (MANE Select); coding-DNA position 518, G replaced by A.
Protein change: p.Gly173Glu; replaces glycine 173 with glutamic acid.
Molecular consequence: missense variant.
Genome position (GRCh38, 1-based): chr5:177,515,738, C>T on the plus strand (G>A on the coding strand, the complement: DDX41 is on the minus strand). VCF-style: chr5-177515738-C-T. GRCh37 (hg19) VCF-style: chr5-176942739-C-T.
Other names: c.518G>A (NM_016222.2); c.140G>A, p.Gly47Glu (NM_001321732.2, NM_001321830.2); short protein forms G47E, G173E.
Identifiers: ClinVar variation 2016308 (VCV002016308.5), dbSNP rs2532087463, ClinGen allele CA362376098.

ClinVar aggregate classification (germline): Uncertain significance. Review status: criteria provided, multiple submitters, no conflicts (2 of 4 stars). 2 submissions from 2 submitters: Uncertain significance (2). Last evaluated 2026-06-09.

Conditions:
Inborn genetic diseases. Identifiers: MedGen C0950123, MeSH D030342.

Submissions (2):

Ambry Genetics
Classification: Uncertain significance for Inborn genetic diseases. Last evaluated: 2026-06-09. Review status: criteria provided, single submitter. Criteria: Ambry Variant Classification Scheme 2023. Collection method: clinical testing. Allele origin: germline.
Comment: The p.G173E variant (also known as c.518G>A), located in coding exon 6 of the DDX41 gene, results from a G to A substitution at nucleotide position 518. The glycine at codon 173 is replaced by glutamic acid, an amino acid with similar properties. This amino acid position is highly conserved in available vertebrate species. In addition, this alteration is predicted to be tolerated by in silico analysis. Based on the available evidence, the clinical significance of this variant remains unclear.

Labcorp Genetics (formerly Invitae), Labcorp
Classification: Uncertain significance. Last evaluated: 2022-07-12. Review status: criteria provided, single submitter. Criteria: Invitae Variant Classification Sherloc (09022015). Collection method: clinical testing. Allele origin: germline.
Comment: This variant disrupts the p.Gly173 amino acid residue in DDX41. Other variant(s) that disrupt this residue have been determined to be pathogenic (PMID: 31484648, 32054657). This suggests that this residue is clinically significant, and that variants that disrupt this residue are likely to be disease-causing. In summary, the available evidence is currently insufficient to determine the role of this variant in disease. Therefore, it has been classified as a Variant of Uncertain Significance. Algorithms developed to predict the effect of missense changes on protein structure and function are either unavailable or do not agree on the potential impact of this missense change (SIFT: "Not Available"; PolyPhen-2: "Probably Damaging"; Align-GVGD: "Not Available"). This variant has not been reported in the literature in individuals affected with DDX41-related conditions. This variant is not present in population databases (gnomAD no frequency). This sequence change replaces glycine, which is neutral and non-polar, with glutamic acid, which is acidic and polar, at codon 173 of the DDX41 protein (p.Gly173Glu).

Literature cited by the submitters: PubMed 31484648 (cited by Labcorp Genetics (formerly Invitae), Labcorp); PubMed 32054657 (cited by Labcorp Genetics (formerly Invitae), Labcorp).